The following is an entry in ClinVar:

NM_000166.6(GJB1):c.807_808del (p.Ala271fs)

Gene: GJB1 (gap junction protein beta 1; plus strand). Cytogenetic location: Xq13.1.
Variant type: Deletion.
Coding change: c.807_808del on transcript NM_000166.6 (MANE Select); coding-DNA positions 807 to 808, 2 bases deleted (CG; older notation c.807_808delCG).
Protein change: p.Ala271fs; shifts the reading frame from alanine 271.
Molecular consequence: frameshift variant.
Genome position (GRCh38, 1-based): chrX:71,224,514-71,224,515, CG deleted. VCF-style (leftmost placement, unchanged base first): chrX-71224513-CCG-C. GRCh37 (hg19) VCF-style: chrX-70444363-CCG-C.
Other names: c.807_808del, p.Ala271fs (NM_001097642.3); short protein forms A271fs.
Identifiers: ClinVar variation 662198 (VCV000662198.9), dbSNP rs1602350012, ClinGen allele CA915951227.

ClinVar aggregate classification (germline): Pathogenic/Likely pathogenic. Review status: criteria provided, multiple submitters, no conflicts (2 of 4 stars). 2 submissions from 2 submitters: Pathogenic (1); Likely pathogenic (1). Last evaluated 2024-09-15.

Conditions:
Charcot-Marie-Tooth Neuropathy X. Identifiers: MedGen CN118851.

Submissions (2):

Labcorp Genetics (formerly Invitae), Labcorp
Classification: Likely pathogenic for Charcot-Marie-Tooth Neuropathy X. Last evaluated: 2024-09-15. Review status: criteria provided, single submitter. Criteria: Invitae Variant Classification Sherloc (09022015). Collection method: clinical testing. Allele origin: germline.
Comment: This sequence change creates a premature translational stop signal (p.Ala271Trpfs*4) in the GJB1 gene. While this is not anticipated to result in nonsense mediated decay, it is expected to disrupt the last 13 amino acid(s) of the GJB1 protein. This variant is not present in population databases (gnomAD no frequency). This variant has not been reported in the literature in individuals affected with GJB1-related conditions. ClinVar contains an entry for this variant (Variation ID: 662198). Experimental studies and prediction algorithms are not available or were not evaluated, and the functional significance of this variant is currently unknown. This variant disrupts the C-terminus of the GJB1 protein. Other variant(s) that disrupt this region (p.Asp278_Cys280del, p.Ser281*, p.Cys283*) have been observed in individuals with GJB1-related conditions (PMID: 8990008, 23011429, 28768847). This suggests that this may be a clinically significant region of the protein. In summary, the currently available evidence indicates that the variant is pathogenic, but additional data are needed to prove that conclusively. Therefore, this variant has been classified as Likely Pathogenic.

Athena Diagnostics
Classification: Pathogenic. Last evaluated: 2021-12-29. Review status: criteria provided, single submitter. Criteria: Athena Diagnostics Criteria. Collection method: clinical testing. Allele origin: unknown.
Comment: This variant is expected to result in the loss of a functional protein. This variant has not been reported in large, multi-ethnic general populations. This variant has been identified in at least one individual tested at Athena Diagnostics with clinical features associated with this gene.

Literature cited by the submitters: PubMed 8990008 (cited by Labcorp Genetics (formerly Invitae), Labcorp); PubMed 23011429 (cited by Labcorp Genetics (formerly Invitae), Labcorp); PubMed 28768847 (cited by Labcorp Genetics (formerly Invitae), Labcorp).